The following is an entry in ClinVar:

ClinVar aggregate classification (germline): Uncertain significance. Review status: criteria provided, multiple submitters, no conflicts (2 of 4 stars). 3 submissions from 3 submitters: Uncertain significance (3). Last evaluated 2025-06-24.

Allele frequency attached by ClinVar (database versions not stated): gnomAD 0.00021 and 0.00024; gnomAD exomes 0.00002 and 0.00006; ESP Exome Variant Server 0.00008; TOPMed 0.00016; ExAC 0.00003.
gnomAD v4.1: 66 of 1,611,326 alleles (0.0041%); highest among the groups gnomAD compares: African/African-American, 0.057%; no homozygotes.

Submissions (3):

Ambry Genetics
Classification: Uncertain significance. Last evaluated: 2025-06-24. Review status: criteria provided, single submitter. Criteria: Ambry Variant Classification Scheme 2023. Collection method: clinical testing. Allele origin: germline.

Labcorp Genetics (formerly Invitae), Labcorp
Classification: Uncertain significance. Last evaluated: 2025-06-12. Review status: criteria provided, single submitter. Criteria: Invitae Variant Classification Sherloc (09022015). Collection method: clinical testing. Allele origin: germline.
Comment: This sequence change replaces arginine, which is basic and polar, with histidine, which is basic and polar, at codon 367 of the ERMARD protein (p.Arg367His). This variant is present in population databases (rs367621676, gnomAD 0.04%). This variant has not been reported in the literature in individuals affected with ERMARD-related conditions. ClinVar contains an entry for this variant (Variation ID: 1330218). Invitae Evidence Modeling of protein sequence and biophysical properties (such as structural, functional, and spatial information, amino acid conservation, physicochemical variation, residue mobility, and thermodynamic stability) indicates that this missense variant is expected to disrupt ERMARD protein function with a positive predictive value of 80%. In summary, the available evidence is currently insufficient to determine the role of this variant in disease. Therefore, it has been classified as a Variant of Uncertain Significance.

Department of Medical Genetics, Sanjay Gandhi Post Graduate Institute of Medical Sciences
Classification: Uncertain significance. Review status: criteria provided, single submitter. Criteria: ACMG Guidelines, 2015. Collection method: clinical testing. Allele origin: germline. Inheritance: Autosomal recessive inheritance. Affected: yes. Observed: 1 homozygote.
Comment: The homozygous ERMARD variant c.1100G>A was common between two similarly affected siblings. However, there was no evidence of neuronal migration defect in brain​​ magnetic resonance imaging (MRI) as has been reported for monoallelic ERMARD pathogenic variants.

NM_018341.3(ERMARD):c.1100G>A (p.Arg367His)

Gene: ERMARD (ER membrane associated RNA degradation; plus strand). Cytogenetic location: 6q27.
Variant type: single nucleotide variant.
Coding change: c.1100G>A on transcript NM_018341.3 (MANE Select); coding-DNA position 1100, G replaced by A.
Protein change: p.Arg367His; replaces arginine 367 with histidine.
Molecular consequence: missense variant.
Genome position (GRCh38, 1-based): chr6:169,769,580, G>A. VCF-style: chr6-169769580-G-A. GRCh37 (hg19) VCF-style: chr6-170169676-G-A.
Other names: c.1100G>A (NM_018341.1); c.1100G>A, p.Arg367His (NM_001278531.2, NM_001278533.2); c.722G>A, p.Arg241His (NM_001278532.2); short protein forms R241H, R367H.
Identifiers: ClinVar variation 1330218 (VCV001330218.5), dbSNP rs367621676, ClinGen allele CA4106127.
Genomic context (GRCh38, chr6:169,769,580, plus strand): 5'-CTCTGTTTAATTTCTGAAAGGAATTTCTCTGGGATTTCCTGAACCATCAGGAGGGTCCCC[G>A]CATAAGAGATCATTTAAGCCACGGGGAGATCAACTTACATGAATTTTCAAAAGAAACAAC-3'
Protein context (NP_060811.1, residues 357-377): WDFLNHQEGP[Arg367His]IRDHLSHGEI